The following is an entry in ClinVar:

ClinVar aggregate classification (germline): Conflicting classifications of pathogenicity. Review status: criteria provided, conflicting classifications (1 of 4 stars). 6 submissions from 6 submitters: Uncertain significance (2); Likely benign (3). 1 of the submissions does not count toward it. Last evaluated 2026-01-26.

Conditions:
Hereditary cancer-predisposing syndrome. Also called: Neoplastic Syndromes, Hereditary; Tumor predisposition; Hereditary Cancer Syndrome; Hereditary neoplastic syndrome. Identifiers: Orphanet 140162, MedGen C0027672, MeSH D009386, MONDO:0015356.
Hereditary breast ovarian cancer syndrome. Also called: Hereditary breast and ovarian cancer syndrome; Hereditary breast and ovarian cancer; Hereditary breast and ovarian cancer syndrome (HBOC); Breast and ovarian cancer; Hereditary breast and/or ovarian cancer syndrome; BRCA1- and BRCA2-Associated Hereditary Breast and Ovarian Cancer. Identifiers: Orphanet 145, MedGen C0677776, MeSH D061325, MONDO:0003582. Disease mechanism: loss of function.
Breast-ovarian cancer, familial, susceptibility to, 2 (BROVCA2). Also called: BRCA2 Hereditary Breast and Ovarian Cancer. Identifiers: Orphanet 145, MedGen C2675520, MONDO:0012933, OMIM 612555. Disease mechanism: loss of function.

Submissions (6):

Labcorp Genetics (formerly Invitae), Labcorp
Classification: Likely benign for Hereditary breast ovarian cancer syndrome. Last evaluated: 2026-01-26. Review status: criteria provided, single submitter. Criteria: Invitae Variant Classification Sherloc (09022015). Collection method: clinical testing. Allele origin: germline.

Ambry Genetics
Classification: Likely benign for Hereditary cancer-predisposing syndrome. Last evaluated: 2025-04-21. Review status: criteria provided, single submitter. Criteria: Ambry Variant Classification Scheme 2023. Collection method: clinical testing. Allele origin: germline.

University of Washington Department of Laboratory Medicine, University of Washington
Classification: Likely benign for Hereditary cancer-predisposing syndrome. Last evaluated: 2023-03-23. Review status: criteria provided, single submitter. Criteria: Dines et al. (Genet Med. 2020). Collection method: curation. Allele origin: germline.
Comment: Missense variant in a coldspot region where missense variants are very unlikely to be pathogenic (PMID:31911673).

BRCA2 exon 11 coldspot. Reclassification based on statistical prior probability.

Color Diagnostics, LLC DBA Color Health
Classification: Uncertain significance for Hereditary cancer-predisposing syndrome. Last evaluated: 2021-02-04. Review status: criteria provided, single submitter. Criteria: ACMG Guidelines, 2015. Collection method: clinical testing. Allele origin: germline.
Comment: This missense variant replaces methionine with isoleucine at codon 1090 of the BRCA2 protein. Computational prediction tool suggests that this variant may not impact protein structure and function (internally defined REVEL score threshold â€šÃ¢Â§0.5, PMID: 27666373). Splice site prediction tools suggest that this variant may not impact RNA splicing. To our knowledge, functional studies have not been performed for this variant. This variant has not been reported in individuals affected with hereditary cancer in the literature. This variant has not been identified in the general population by the Genome Aggregation Database (gnomAD). The available evidence is insufficient to determine the role of this variant in disease conclusively. Therefore, this variant is classified as a Variant of Uncertain Significance.

Women's Health and Genetics/Laboratory Corporation of America, LabCorp
Classification: Uncertain significance. Last evaluated: 2019-04-22. Review status: criteria provided, single submitter. Criteria: LabCorp Variant Classification Summary - May 2015. Collection method: clinical testing. Allele origin: germline.
Comment: Variant summary: BRCA2 c.3270G>C (p.Met1090Ile) results in a conservative amino acid change in the encoded protein sequence. Five of five in-silico tools predict a benign effect of the variant on protein function. The variant was absent in 229306 control chromosomes (gnomAD). The available data on variant occurrences in the general population are insufficient to allow any conclusion about variant significance. To our knowledge, no occurrence of c.3270G>C in individuals affected with Hereditary Breast and Ovarian Cancer and no experimental evidence demonstrating its impact on protein function have been reported. No clinical diagnostic laboratories have submitted clinical-significance assessments for this variant to ClinVar after 2014. Based on the evidence outlined above, the variant was classified as uncertain significance.

Breast Cancer Information Core (BIC) (BRCA2)
Classification: Uncertain significance for Breast-ovarian cancer, familial 2. Last evaluated: 2003-12-23. Review status: no assertion criteria provided. Collection method: clinical testing. Allele origin: germline. Affected: yes. Observed: 1 variant allele. Not counted in ClinVar's aggregate classification.

Literature cited by the submitters: PubMed 35264596 (cited by Ambry Genetics).

NM_000059.4(BRCA2):c.3270G>C (p.Met1090Ile)

Gene: BRCA2 (BRCA2 DNA repair associated; plus strand). Cytogenetic location: 13q13.1.
Variant type: single nucleotide variant.
Coding change: c.3270G>C on transcript NM_000059.4 (MANE Select); coding-DNA position 3270, G replaced by C.
Protein change: p.Met1090Ile; replaces methionine 1090 with isoleucine.
Molecular consequence: missense variant.
Genome position (GRCh38, 1-based): chr13:32,337,625, G>C. VCF-style: chr13-32337625-G-C. GRCh37 (hg19) VCF-style: chr13-32911762-G-C.
Other names: short protein forms M1090I.
Identifiers: ClinVar variation 51441 (VCV000051441.16), dbSNP rs80358574, ClinGen allele CA017687.